The following is an entry in ClinVar:

ClinVar aggregate classification (germline): Uncertain significance. Review status: criteria provided, multiple submitters, no conflicts (2 of 4 stars). 2 submissions from 2 submitters: Uncertain significance (2). Last evaluated 2025-08-09.

Conditions:
Tay-Sachs disease (TSD). Also called: GM2 gangliosidosis, type 1; Hexosaminidase alpha-subunit deficiency (variant B); Sphingolipidosis, Tay-Sachs; Hexosaminidase A Deficiency; HEXA DEFICIENCY; HEXA Disorders. Identifiers: Orphanet 845, MedGen C0039373, MONDO:0010100, OMIM 272800.
Inborn genetic diseases. Identifiers: MedGen C0950123, MeSH D030342.

Allele frequency attached by ClinVar (database versions not stated): TOPMed below 0.00001; ExAC 0.00002.
gnomAD v4.1: 7 of 1,614,168 alleles (0.00043%); highest among the groups gnomAD compares: Non-Finnish European, 0.00059%; no homozygotes.

Submissions (2):

Ambry Genetics
Classification: Uncertain significance for Inborn genetic diseases. Last evaluated: 2025-08-09. Review status: criteria provided, single submitter. Criteria: Ambry Variant Classification Scheme 2023. Collection method: clinical testing. Allele origin: germline.

Labcorp Genetics (formerly Invitae), Labcorp
Classification: Uncertain significance for Tay-Sachs disease. Last evaluated: 2022-06-20. Review status: criteria provided, single submitter. Criteria: Invitae Variant Classification Sherloc (09022015). Collection method: clinical testing. Allele origin: germline.
Comment: This sequence change replaces threonine, which is neutral and polar, with methionine, which is neutral and non-polar, at codon 21 of the HEXA protein (p.Thr21Met). This variant is present in population databases (rs780078337, gnomAD 0.003%). This variant has not been reported in the literature in individuals affected with HEXA-related conditions. Algorithms developed to predict the effect of missense changes on protein structure and function are either unavailable or do not agree on the potential impact of this missense change (SIFT: "Deleterious"; PolyPhen-2: "Not Available"; Align-GVGD: "Class C0"). In summary, the available evidence is currently insufficient to determine the role of this variant in disease. Therefore, it has been classified as a Variant of Uncertain Significance.

NM_000520.6(HEXA):c.62C>T (p.Thr21Met)

Gene: HEXA (hexosaminidase subunit alpha; minus strand). Cytogenetic location: 15q23.
Variant type: single nucleotide variant.
Coding change: c.62C>T on transcript NM_000520.6 (MANE Select); coding-DNA position 62, C replaced by T.
Protein change: p.Thr21Met; replaces threonine 21 with methionine.
Molecular consequence: missense variant. On other transcripts: non-coding transcript variant (1).
Genome position (GRCh38, 1-based): chr15:72,375,911, G>A on the plus strand (C>T on the coding strand, the complement: HEXA is on the minus strand). VCF-style: chr15-72375911-G-A. GRCh37 (hg19) VCF-style: chr15-72668252-G-A.
Other names: c.62C>T, p.Thr21Met (NM_001318825.2); c.62C>T (NM_000520.4); short protein forms T21M.
Identifiers: ClinVar variation 2162505 (VCV002162505.2), dbSNP rs780078337, ClinGen allele CA7645120.